The following is an entry in ClinVar:

NM_000238.4(KCNH2):c.2003C>A (p.Ser668Ter)

Gene: KCNH2 (potassium voltage-gated channel subfamily H member 2; minus strand). Cytogenetic location: 7q36.1.
Variant type: single nucleotide variant.
Coding change: c.2003C>A on transcript NM_000238.4 (MANE Select); coding-DNA position 2003, C replaced by A.
Protein change: p.Ser668Ter; replaces serine 668 with a stop codon.
Molecular consequence: nonsense.
Genome position (GRCh38, 1-based): chr7:150,951,063, G>T on the plus strand (C>A on the coding strand, the complement: KCNH2 is on the minus strand). VCF-style: chr7-150951063-G-T. GRCh37 (hg19) VCF-style: chr7-150648151-G-T.
Other names: c.983C>A, p.Ser328Ter (NM_001204798.2, NM_172057.3); c.1715C>A, p.Ser572Ter (NM_001406753.1, NM_001406756.1); c.1826C>A, p.Ser609Ter (NM_001406755.1); c.1703C>A, p.Ser568Ter (NM_001406757.1); c.2003C>A, p.Ser668Ter (NM_172056.3); short protein forms S328*, S668*, S572*, S568*, S609*.
Identifiers: ClinVar variation 620172 (VCV000620172.9), dbSNP rs749211387, ClinGen allele CA369857673.

ClinVar aggregate classification (germline): Pathogenic/Likely pathogenic. Review status: criteria provided, multiple submitters, no conflicts (2 of 4 stars). 3 submissions from 3 submitters: Pathogenic (2); Likely pathogenic (1). Last evaluated 2024-02-26.

Conditions:
Cardiac arrhythmia. Also called: Cardiac rhythm disease; Arrhythmia. Identifiers: MedGen C0003811, MONDO:0007263, HP:0011675.
Long QT syndrome (LQTS). Identifiers: MedGen C0023976, MeSH D008133, MONDO:0002442. Disease mechanism: loss of function. Inheritance: Various modes of inheritance.

Submissions (3):

Labcorp Genetics (formerly Invitae), Labcorp
Classification: Pathogenic for Long QT syndrome. Last evaluated: 2024-02-26. Review status: criteria provided, single submitter. Criteria: Invitae Variant Classification Sherloc (09022015). Collection method: clinical testing. Allele origin: germline.
Comment: This sequence change creates a premature translational stop signal (p.Ser668*) in the KCNH2 gene. It is expected to result in an absent or disrupted protein product. Loss-of-function variants in KCNH2 are known to be pathogenic (PMID: 10973849, 19862833). This variant is not present in population databases (gnomAD no frequency). This premature translational stop signal has been observed in individual(s) with long QT syndrome (PMID: 26669661). ClinVar contains an entry for this variant (Variation ID: 620172). For these reasons, this variant has been classified as Pathogenic.

Women's Health and Genetics/Laboratory Corporation of America, LabCorp
Classification: Likely pathogenic for Cardiac arrhythmia. Last evaluated: 2022-08-07. Review status: criteria provided, single submitter. Criteria: LabCorp Variant Classification Summary - May 2015. Collection method: clinical testing. Allele origin: germline.
Comment: Variant summary: KCNH2 c.2003C>A (p.Ser668X) results in a premature termination codon, predicted to cause a truncation of the encoded protein or absence of the protein due to nonsense mediated decay, which are commonly known mechanisms for disease. Truncations downstream of this position have been classified as pathogenic by our laboratory and is associated with Long QT syndrome in HGMD. The variant was absent in 250960 control chromosomes (gnomAD). c.2003C>A has been reported in the literature in individuals affected with Long QT syndrome (example: Itoh_2016). These data indicate that the variant may be associated with disease. To our knowledge, no experimental evidence demonstrating an impact on protein function has been reported. One clinical diagnostic laboratory has submitted clinical-significance assessments for this variant to ClinVar after 2014 and classified the variant as pathogenic. Based on the evidence outlined above, the variant was classified as likely pathogenic.

GeneDx
Classification: Pathogenic. Last evaluated: 2018-10-22. Review status: criteria provided, single submitter. Criteria: GeneDx Variant Classification (06012015). Collection method: clinical testing. Allele origin: germline. Affected: yes.
Comment: The S668X pathogenic variant in the KCNH2 gene has previously been reported in two individuals from one family with LQTS; however, detailed clincial information was not provided (Itoh et al., 2016). S668X is predicted to cause loss of normal protein function either by protein truncation or nonsense-mediated mRNA decay. Multiple other downstream nonsense variants in the KCNH2 gene have been reported in Human Gene Mutation Database in association with LQTS (Stenson et al., 2014). Furthermore, the S668X variant is not observed in large population cohorts (Lek et al., 2016).In summary, S668X in the KCNH2 gene is interpreted as a pathogenic variant.

Literature cited by the submitters: PubMed 10973849 (cited by Labcorp Genetics (formerly Invitae), Labcorp); PubMed 19862833 (cited by Labcorp Genetics (formerly Invitae), Labcorp); PubMed 26669661 (cited by Labcorp Genetics (formerly Invitae), Labcorp and Women's Health and Genetics/Laboratory Corporation of America, LabCorp).